The following is an entry in ClinVar:

ClinVar aggregate classification (germline): Uncertain significance (1 of 4 stars; one submission).

Conditions:
IFT81-related disorder. Also called: IFT81-related condition.

gnomAD v4.1: 3 of 1,613,030 alleles (0.00019%); highest among the groups gnomAD compares: African/African-American, 0.004%; no homozygotes.

Submission:

PreventionGenetics, part of Exact Sciences
Classification: Uncertain significance for IFT81-related condition. Last evaluated: 2026-06-25. Review status: criteria provided, single submitter. Criteria: ACMG Guidelines, 2015. Collection method: clinical testing. Allele origin: germline.
Comment: The IFT81 c.731A>G variant is predicted to result in the amino acid substitution p.Gln244Arg. To our knowledge, this variant has not been reported in the literature. This variant is reported in 0.012% of alleles in individuals of African descent in gnomAD. At this time, the clinical significance of this variant is uncertain due to the absence of conclusive functional and genetic evidence.

NM_014055.4(IFT81):c.731A>G (p.Gln244Arg)

Gene: IFT81 (intraflagellar transport 81; plus strand). Cytogenetic location: 12q24.11.
Variant type: single nucleotide variant.
Coding change: c.731A>G on transcript NM_014055.4 (MANE Select); coding-DNA position 731, A replaced by G.
Protein change: p.Gln244Arg; replaces glutamine 244 with arginine.
Molecular consequence: missense variant. On other transcripts: 5 prime UTR variant (2), non-coding transcript variant (4).
Genome position (GRCh38, 1-based): chr12:110,136,810, A>G. VCF-style: chr12-110136810-A-G. GRCh37 (hg19) VCF-style: chr12-110574615-A-G.
Other names: c.731A>G, p.Gln244Arg (NM_001143779.2, NM_001347946.2, NM_031473.4); c.-36A>G (NM_001347947.2, NM_001347948.2); short protein forms Q244R.
Identifiers: ClinVar variation 4992559 (VCV004992559.1).